The following is an entry in ClinVar:

NM_015335.5(MED13L):c.2027C>T (p.Pro676Leu)

Gene: MED13L (mediator complex subunit 13L; minus strand). Cytogenetic location: 12q24.21.
Variant type: single nucleotide variant.
Coding change: c.2027C>T on transcript NM_015335.5 (MANE Select); coding-DNA position 2027, C replaced by T.
Protein change: p.Pro676Leu; replaces proline 676 with leucine.
Molecular consequence: missense variant.
Genome position (GRCh38, 1-based): chr12:116,007,622, G>A on the plus strand (C>T on the coding strand, the complement: MED13L is on the minus strand). VCF-style: chr12-116007622-G-A. GRCh37 (hg19) VCF-style: chr12-116445427-G-A.
Other names: short protein forms P676L.
Identifiers: ClinVar variation 3619370 (VCV003619370.2).
Genomic context (GRCh38, chr12:116,007,622, plus strand): 5'-AGGAAGTGGAGTGGCTGCAACTGGGGCTGTTTGTCTTGCCAGATTTTAAACCGTTTGTTA[G>A]GTTGTGCTAAGAGTCTAAAAGACAAAAAAAAAAAAAAAAAAAAGAGCATTTATGCCTTAA-3'
Protein context (NP_056150.1, residues 666-686): STALQRLLAQ[Pro676Leu]NKRFKIWQDK

ClinVar aggregate classification (germline): Uncertain significance (1 of 4 stars; one submission).

Conditions:
Dextro-looped transposition of the great arteries. Also called: Dextrotransposition of the great arteries. Identifiers: Orphanet 860, MedGen C3531771, MONDO:0019443, OMIM 608808, HP:0031348.

gnomAD v4.1: 1 of 1,480,602 alleles (0.000068%); highest among the groups gnomAD compares: Non-Finnish European, 0.000093%; no homozygotes.

Submission:

Labcorp Genetics (formerly Invitae), Labcorp
Classification: Uncertain significance for Dextro-looped transposition of the great arteries. Last evaluated: 2024-05-27. Review status: criteria provided, single submitter. Criteria: Invitae Variant Classification Sherloc (09022015). Collection method: clinical testing. Allele origin: germline.
Comment: This sequence change replaces proline, which is neutral and non-polar, with leucine, which is neutral and non-polar, at codon 676 of the MED13L protein (p.Pro676Leu). This variant is not present in population databases (gnomAD no frequency). This variant has not been reported in the literature in individuals affected with MED13L-related conditions. Advanced modeling of protein sequence and biophysical properties (such as structural, functional, and spatial information, amino acid conservation, physicochemical variation, residue mobility, and thermodynamic stability) has been performed at Invitae for this missense variant, however the output from this modeling did not meet the statistical confidence thresholds required to predict the impact of this variant on MED13L protein function. In summary, the available evidence is currently insufficient to determine the role of this variant in disease. Therefore, it has been classified as a Variant of Uncertain Significance.